The following is an entry in ClinVar:

ClinVar aggregate classification (germline): Likely benign. Review status: criteria provided, single submitter (1 of 4 stars). 2 submissions from 2 submitters: Likely benign (1). 1 of the submissions does not count toward it. Last evaluated 2025-06-14.

Conditions:
CREBBP-related disorder. Also called: CREBBP-related disorders; CREBBP-related condition.
Rubinstein-Taybi syndrome (RSTS). Identifiers: Orphanet 783, MedGen C0035934, MONDO:0019188.

Allele frequency attached by ClinVar (database versions not stated): TOPMed 0.00004; gnomAD 0.00005; ExAC 0.00006; gnomAD exomes 0.00010; 1000 Genomes Project 30x 0.00016; 1000 Genomes Project 0.00020.

Submissions (2):

Labcorp Genetics (formerly Invitae), Labcorp
Classification: Likely benign for Rubinstein-Taybi syndrome. Last evaluated: 2025-06-14. Review status: criteria provided, single submitter. Criteria: Invitae Variant Classification Sherloc (09022015). Collection method: clinical testing. Allele origin: germline.

PreventionGenetics, part of Exact Sciences
Classification: Benign for CREBBP-related condition. Last evaluated: 2024-08-27. Review status: no assertion criteria provided. Collection method: clinical testing. Allele origin: germline. Not counted in ClinVar's aggregate classification.
Comment: This variant is classified as benign based on ACMG/AMP sequence variant interpretation guidelines (Richards et al. 2015 PMID: 25741868, with internal and published modifications).

NM_004380.3(CREBBP):c.5139C>T (p.His1713=)

Gene: CREBBP (CREB binding lysine acetyltransferase; minus strand). Cytogenetic location: 16p13.3.
Variant type: single nucleotide variant.
Coding change: c.5139C>T on transcript NM_004380.3 (MANE Select); coding-DNA position 5139, C replaced by T.
Protein change: p.His1713=; no amino-acid change (histidine 1713 retained).
Molecular consequence: synonymous variant.
Genome position (GRCh38, 1-based): chr16:3,731,225, G>A on the plus strand (C>T on the coding strand, the complement: CREBBP is on the minus strand). VCF-style: chr16-3731225-G-A. GRCh37 (hg19) VCF-style: chr16-3781226-G-A.
Other names: c.5025C>T, p.His1675= (NM_001079846.1); c.5139C>T (NM_004380.2).
Identifiers: ClinVar variation 2872694 (VCV002872694.4), dbSNP rs200634267, ClinGen allele CA7869353.